The following is an entry in ClinVar:

ClinVar aggregate classification (germline): Uncertain significance (1 of 4 stars; one submission).

Conditions:
Hereditary cancer-predisposing syndrome. Also called: Neoplastic Syndromes, Hereditary; Tumor predisposition; Hereditary Cancer Syndrome; Hereditary neoplastic syndrome. Identifiers: Orphanet 140162, MedGen C0027672, MeSH D009386, MONDO:0015356.

Submission:

Ambry Genetics
Classification: Uncertain significance for Hereditary cancer-predisposing syndrome. Last evaluated: 2022-03-16. Review status: criteria provided, single submitter. Criteria: Ambry Variant Classification Scheme 2023. Collection method: clinical testing. Allele origin: germline.
Comment: The p.E1017D variant (also known as c.3051A>C), located in coding exon 15 of the BLM gene, results from an A to C substitution at nucleotide position 3051. The glutamic acid at codon 1017 is replaced by aspartic acid, an amino acid with highly similar properties. This amino acid position is conserved. In addition, this alteration is predicted to be tolerated by in silico analysis. Since supporting evidence is limited at this time, the clinical significance of this alteration remains unclear.

NM_000057.4(BLM):c.3051A>C (p.Glu1017Asp)

Gene: BLM (BLM RecQ like helicase; plus strand). Cytogenetic location: 15q26.1.
Variant type: single nucleotide variant.
Coding change: c.3051A>C on transcript NM_000057.4 (MANE Select); coding-DNA position 3051, A replaced by C.
Protein change: p.Glu1017Asp; replaces glutamic acid 1017 with aspartic acid.
Molecular consequence: missense variant.
Genome position (GRCh38, 1-based): chr15:90,794,198, A>C. VCF-style: chr15-90794198-A-C. GRCh37 (hg19) VCF-style: chr15-91337428-A-C.
Other names: c.3051A>C, p.Glu1017Asp (NM_001287246.2, NM_001287247.2); c.1926A>C, p.Glu642Asp (NM_001287248.2); short protein forms E642D, E1017D.
Identifiers: ClinVar variation 1799269 (VCV001799269.2), dbSNP rs2505524675, ClinGen allele CA393846719.